The following is an entry in ClinVar:

NM_000052.7(ATP7A):c.1202A>G (p.Lys401Arg)

Gene: ATP7A (ATPase copper transporting alpha; plus strand). Cytogenetic location: Xq21.1.
Variant type: single nucleotide variant.
Coding change: c.1202A>G on transcript NM_000052.7 (MANE Select); coding-DNA position 1202, A replaced by G.
Protein change: p.Lys401Arg; replaces lysine 401 with arginine.
Molecular consequence: missense variant.
Genome position (GRCh38, 1-based): chrX:77,989,824, A>G. VCF-style: chrX-77989824-A-G. GRCh37 (hg19) VCF-style: chrX-77245320-A-G.
Other names: c.1202A>G, p.Lys401Arg (NM_001282224.2); short protein forms K401R.
Identifiers: ClinVar variation 3753802 (VCV003753802.2).

ClinVar aggregate classification (germline): Uncertain significance (1 of 4 stars; one submission).

Conditions:
Menkes kinky-hair syndrome (MNK). Also called: Copper transport disease; Menkes Disease; Classic Menkes Disease. Identifiers: Orphanet 565, MedGen C0022716, MONDO:0010651, OMIM 309400.
X-linked distal spinal muscular atrophy type 3. Also called: ATP7A-Related Distal Motor Neuropathy; SPINAL MUSCULAR ATROPHY, DISTAL, X-LINKED RECESSIVE; NEURONOPATHY, DISTAL HEREDITARY MOTOR, X-LINKED; NEUROPATHY, DISTAL HEREDITARY MOTOR, X-LINKED. Identifiers: Orphanet 139557, MedGen C1845359, MONDO:0010338, OMIM 300489.
Cutis laxa, X-linked (OHS). Also called: EDS IX; Occipital horn syndrome. Identifiers: Orphanet 198, MedGen C0268353, MONDO:0010572, OMIM 304150.

Submission:

Labcorp Genetics (formerly Invitae), Labcorp
Classification: Uncertain significance for X-linked distal spinal muscular atrophy type 3; Cutis laxa, X-linked; Menkes kinky-hair syndrome. Last evaluated: 2024-06-13. Review status: criteria provided, single submitter. Criteria: Invitae Variant Classification Sherloc (09022015). Collection method: clinical testing. Allele origin: germline.
Comment: This sequence change replaces lysine, which is basic and polar, with arginine, which is basic and polar, at codon 401 of the ATP7A protein (p.Lys401Arg). This variant is not present in population databases (gnomAD no frequency). This variant has not been reported in the literature in individuals affected with ATP7A-related conditions. Advanced modeling of protein sequence and biophysical properties (such as structural, functional, and spatial information, amino acid conservation, physicochemical variation, residue mobility, and thermodynamic stability) performed at Invitae indicates that this missense variant is not expected to disrupt ATP7A protein function with a negative predictive value of 95%. In summary, the available evidence is currently insufficient to determine the role of this variant in disease. Therefore, it has been classified as a Variant of Uncertain Significance.